The following is an entry in ClinVar:

NM_001145358.2(SIN3A):c.3423G>A (p.Glu1141=)

Gene: SIN3A (SIN3 transcription regulator family member A; minus strand). Cytogenetic location: 15q24.2.
Variant type: single nucleotide variant.
Coding change: c.3423G>A on transcript NM_001145358.2 (MANE Select); coding-DNA position 3423, G replaced by A.
Protein change: p.Glu1141=; no amino-acid change (glutamic acid 1141 retained).
Molecular consequence: synonymous variant.
Genome position (GRCh38, 1-based): chr15:75,375,833, C>T on the plus strand (G>A on the coding strand, the complement: SIN3A is on the minus strand). VCF-style: chr15-75375833-C-T. GRCh37 (hg19) VCF-style: chr15-75668174-C-T.
Other names: c.3423G>A, p.Glu1141= (NM_001145357.2, NM_015477.3).
Identifiers: ClinVar variation 3046429 (VCV003046429.3), dbSNP rs2542997718, ClinGen allele CA491278808.

ClinVar aggregate classification (germline): Likely benign. Review status: criteria provided, single submitter (1 of 4 stars). 2 submissions from 2 submitters: Likely benign (1). 1 of the submissions does not count toward it. Last evaluated 2024-10-04.

Conditions:
SIN3A-related disorder. Also called: SIN3A-related condition.

Allele frequency attached by ClinVar (database versions not stated): gnomAD exomes below 0.00001.
gnomAD v4.1: 2 of 1,614,162 alleles (0.00012%); highest among the groups gnomAD compares: Non-Finnish European, 0.00017%; no homozygotes.

Submissions (2):

Blueprint Genetics
Classification: Likely benign. Last evaluated: 2024-10-04. Review status: criteria provided, single submitter. Criteria: ACMG Guidelines, 2015. Collection method: clinical testing. Allele origin: germline.

PreventionGenetics, part of Exact Sciences
Classification: Likely benign for SIN3A-related condition. Last evaluated: 2019-03-07. Review status: no assertion criteria provided. Collection method: clinical testing. Allele origin: germline. Not counted in ClinVar's aggregate classification.
Comment: This variant is classified as likely benign based on ACMG/AMP sequence variant interpretation guidelines (Richards et al. 2015 PMID: 25741868, with internal and published modifications).